The following is an entry in ClinVar:

ClinVar aggregate classification (germline): Uncertain significance (1 of 4 stars; one submission).

Allele frequency attached by ClinVar (database versions not stated): TOPMed 0.00001; gnomAD 0.00003; gnomAD exomes 0.00003; ExAC 0.00004.
gnomAD v4.1: 48 of 1,614,034 alleles (0.003%); highest among the groups gnomAD compares: Middle Eastern, 0.016%; no homozygotes.

Submission:

Labcorp Genetics (formerly Invitae), Labcorp
Classification: Uncertain significance. Last evaluated: 2025-10-01. Review status: criteria provided, single submitter. Criteria: Invitae Variant Classification Sherloc (09022015). Collection method: clinical testing. Allele origin: germline.
Comment: This sequence change replaces cysteine, which is neutral and slightly polar, with tyrosine, which is neutral and polar, at codon 727 of the MYLK3 protein (p.Cys727Tyr). This variant is present in population databases (rs752995801, gnomAD 0.006%). This variant has not been reported in the literature in individuals affected with MYLK3-related conditions. ClinVar contains an entry for this variant (Variation ID: 1417047). An algorithm developed to predict the effect of missense changes on protein structure and function (PolyPhen-2) suggests that this variant is likely to be disruptive. In summary, the available evidence is currently insufficient to determine the role of this variant in disease. Therefore, it has been classified as a Variant of Uncertain Significance.

NM_182493.3(MYLK3):c.2180G>A (p.Cys727Tyr)

Gene: MYLK3 (myosin light chain kinase 3; minus strand). Cytogenetic location: 16q11.2.
Variant type: single nucleotide variant.
Coding change: c.2180G>A on transcript NM_182493.3 (MANE Select); coding-DNA position 2180, G replaced by A.
Protein change: p.Cys727Tyr; replaces cysteine 727 with tyrosine.
Molecular consequence: missense variant.
Genome position (GRCh38, 1-based): chr16:46,710,724, C>T on the plus strand (G>A on the coding strand, the complement: MYLK3 is on the minus strand). VCF-style: chr16-46710724-C-T. GRCh37 (hg19) VCF-style: chr16-46744636-C-T.
Other names: c.1157G>A, p.Cys386Tyr (NM_001308301.1); short protein forms C386Y, C727Y.
Identifiers: ClinVar variation 1417047 (VCV001417047.8), dbSNP rs752995801, ClinGen allele CA8037658.
Genomic context (GRCh38, chr16:46,710,724, plus strand): 5'-ACAAAGTCCTTGGCCTCCTCCGAGAGCCCTTCAAAGGTGTCAGCATCAAAATCCCAGCTA[C>T]AGTTTACAATGAAATTCATGGTCTCTGCATCTGTTTCCCCTAGAAATGGGGACAAGCCAC-3'
Protein context (NP_872299.2, residues 717-737): DAETMNFIVN[Cys727Tyr]SWDFDADTFE